The following is an entry in ClinVar:

NM_001256071.3(RNF213):c.346A>G (p.Ser116Gly)

Gene: RNF213 (ring finger protein 213; plus strand). Cytogenetic location: 17q25.3.
Variant type: single nucleotide variant.
Coding change: c.346A>G on transcript NM_001256071.3 (MANE Select); coding-DNA position 346, A replaced by G.
Protein change: p.Ser116Gly; replaces serine 116 with glycine.
Molecular consequence: missense variant.
Genome position (GRCh38, 1-based): chr17:80,287,899, A>G. VCF-style: chr17-80287899-A-G. GRCh37 (hg19) VCF-style: chr17-78261698-A-G.
Other names: c.493A>G, p.Ser165Gly (NM_001410195.1, NM_020914.5); c.346A>G, p.Ser116Gly (NM_020954.4); short protein forms S116G, S165G.
Identifiers: ClinVar variation 3336095 (VCV003336095.1).

ClinVar aggregate classification (germline): Uncertain significance (1 of 4 stars; one submission).

gnomAD v4.1: 315 of 1,579,682 alleles (0.02%); highest among the groups gnomAD compares: Non-Finnish European, 0.026%; no homozygotes.

Submission:

Women's Health and Genetics/Laboratory Corporation of America, LabCorp
Classification: Uncertain significance. Last evaluated: 2024-05-08. Review status: criteria provided, single submitter. Criteria: LabCorp Variant Classification Summary - May 2015. Collection method: clinical testing. Allele origin: germline.
Comment: Variant summary: RNF213 c.346A>G (p.Ser116Gly) results in a non-conservative amino acid change in the encoded protein sequence. Four of five in-silico tools predict a benign effect of the variant on protein function. The variant allele was found at a frequency of 5.2e-05 in 192018 control chromosomes. This frequency is not significantly higher than estimated for a pathogenic variant in RNF213 causing Moyamoya Disease 2, allowing no conclusion about variant significance. To our knowledge, no occurrence of c.346A>G in individuals affected with Moyamoya Disease 2 and no experimental evidence demonstrating its impact on protein function have been reported. No submitters have cited clinical-significance assessments for this variant to ClinVar. Based on the evidence outlined above, the variant was classified as uncertain significance.